The following is an entry in ClinVar:

ClinVar aggregate classification (germline): Uncertain significance (1 of 4 stars; one submission).

Allele frequency attached by ClinVar (database versions not stated): gnomAD exomes below 0.00001.

Submission:

Labcorp Genetics (formerly Invitae), Labcorp
Classification: Uncertain significance. Last evaluated: 2025-10-27. Review status: criteria provided, single submitter. Criteria: Invitae Variant Classification Sherloc (09022015). Collection method: clinical testing. Allele origin: germline.
Comment: This sequence change replaces glutamine, which is neutral and polar, with glutamic acid, which is acidic and polar, at codon 61 of the NFE2L2 protein (p.Gln61Glu). This variant is present in population databases (rs374210352, gnomAD 0.003%). This variant has not been reported in the literature in individuals affected with NFE2L2-related conditions. ClinVar contains an entry for this variant (Variation ID: 2140429). Invitae Evidence Modeling of protein sequence and biophysical properties (such as structural, functional, and spatial information, amino acid conservation, physicochemical variation, residue mobility, and thermodynamic stability) indicates that this missense variant is not expected to disrupt NFE2L2 protein function with a negative predictive value of 80%. In summary, the available evidence is currently insufficient to determine the role of this variant in disease. Therefore, it has been classified as a Variant of Uncertain Significance.

NM_006164.5(NFE2L2):c.181C>G (p.Gln61Glu)

Gene: NFE2L2 (NFE2 like bZIP transcription factor 2; minus strand). Cytogenetic location: 2q31.2.
Variant type: single nucleotide variant.
Coding change: c.181C>G on transcript NM_006164.5 (MANE Select); coding-DNA position 181, C replaced by G.
Protein change: p.Gln61Glu; replaces glutamine 61 with glutamic acid.
Molecular consequence: missense variant. On other transcripts: 5 prime UTR variant (1), intron variant (1).
Genome position (GRCh38, 1-based): chr2:177,234,136, G>C on the plus strand (C>G on the coding strand, the complement: NFE2L2 is on the minus strand). VCF-style: chr2-177234136-G-C. GRCh37 (hg19) VCF-style: chr2-178098864-G-C.
Other names: c.133C>G, p.Gln45Glu (NM_001145412.3, NM_001145413.3, NM_001313900.1 and 1 more transcripts); c.181C>G, p.Gln61Glu (NM_001313902.2); c.-49C>G (NM_001313904.1); c.93+88C>G (NM_001313903.2); short protein forms Q45E, Q61E.
Identifiers: ClinVar variation 2140429 (VCV002140429.4), dbSNP rs374210352, ClinGen allele CA1979934.